The following is an entry in ClinVar:

NM_000548.5(TSC2):c.3898A>G (p.Met1300Val)

Gene: TSC2 (TSC complex subunit 2; plus strand). Cytogenetic location: 16p13.3.
Variant type: single nucleotide variant.
Coding change: c.3898A>G on transcript NM_000548.5 (MANE Select); coding-DNA position 3898, A replaced by G.
Protein change: p.Met1300Val; replaces methionine 1300 with valine.
Molecular consequence: missense variant.
Genome position (GRCh38, 1-based): chr16:2,083,709, A>G. VCF-style: chr16-2083709-A-G. GRCh37 (hg19) VCF-style: chr16-2133710-A-G.
Other names: c.3697A>G, p.Met1233Val (NM_001077183.3); c.3829A>G, p.Met1277Val (NM_001114382.3); c.3589A>G, p.Met1197Val (NM_001318827.2); c.3553A>G, p.Met1185Val (NM_001318829.2); c.3166A>G, p.Met1056Val (NM_001318831.2); c.3730A>G, p.Met1244Val (NM_001318832.2); c.3700A>G, p.Met1234Val (NM_001363528.2); c.3766A>G, p.Met1256Val (NM_001370404.1); and 1 more; short protein forms M1056V, M1197V, M1257V, M1300V, M1185V, M1234V, M1256V, M1233V.
Identifiers: ClinVar variation 824348 (VCV000824348.10), dbSNP rs1596411880, ClinGen allele CA394296832.
Genomic context (GRCh38, chr16:2,083,709, plus strand): 5'-GCCTGGCCCAGCCCCACATCCAGCAGCCCCGTCTGTGTCCTCCCAGACTCCGCCGTGGTC[A>G]TGGAGGAGGGAAGTCCGGGCGAGGTTCCTGTGCTGGTGGAGCCCCCAGGGTTGGAGGACG-3'
Protein context (NP_000539.2, residues 1290-1310): SVSWADSAVV[Met1300Val]EEGSPGEVPV

ClinVar aggregate classification (germline): Uncertain significance. Review status: criteria provided, multiple submitters, no conflicts (2 of 4 stars). 3 submissions from 3 submitters: Uncertain significance (3). Last evaluated 2024-10-05.

Conditions:
Hereditary cancer-predisposing syndrome. Also called: Neoplastic Syndromes, Hereditary; Hereditary Cancer Syndrome; Hereditary neoplastic syndrome; Tumor predisposition. Identifiers: Orphanet 140162, MedGen C0027672, MeSH D009386, MONDO:0015356.
Tuberous sclerosis 2 (TSC2). Identifiers: Orphanet 805, MedGen C1860707, MONDO:0013199, OMIM 613254.
Tuberous sclerosis syndrome (TSC). Also called: Tuberous Sclerosis Complex; Tuberous sclerosis. Identifiers: Orphanet 805, MedGen C0041341, MONDO:0001734.

Submissions (3):

Labcorp Genetics (formerly Invitae), Labcorp
Classification: Uncertain significance for Tuberous sclerosis 2. Last evaluated: 2024-10-05. Review status: criteria provided, single submitter. Criteria: Invitae Variant Classification Sherloc (09022015). Collection method: clinical testing. Allele origin: germline.
Comment: This sequence change replaces methionine, which is neutral and non-polar, with valine, which is neutral and non-polar, at codon 1300 of the TSC2 protein (p.Met1300Val). This variant is not present in population databases (gnomAD no frequency). This variant has not been reported in the literature in individuals affected with TSC2-related conditions. ClinVar contains an entry for this variant (Variation ID: 824348). Invitae Evidence Modeling of protein sequence and biophysical properties (such as structural, functional, and spatial information, amino acid conservation, physicochemical variation, residue mobility, and thermodynamic stability) indicates that this missense variant is not expected to disrupt TSC2 protein function with a negative predictive value of 95%. In summary, the available evidence is currently insufficient to determine the role of this variant in disease. Therefore, it has been classified as a Variant of Uncertain Significance.

All of Us Research Program, National Institutes of Health
Classification: Uncertain significance for Tuberous sclerosis syndrome. Last evaluated: 2023-02-24. Review status: criteria provided, single submitter. Criteria: ACMG Guidelines, 2015. Collection method: clinical testing. Allele origin: germline. Inheritance: Autosomal dominant inheritance. Observed: 1 variant allele, 1 heterozygote.
Comment: This missense variant replaces methionine with valine at codon 1300 of the TSC2 protein. Computational prediction is inconclusive regarding the impact of this variant on protein structure and function (internally defined REVEL score threshold 0.5 < inconclusive < 0.7, PMID: 27666373). To our knowledge, functional studies have not been reported for this variant. This variant has not been reported in individuals affected with TSC2-related disorders in the literature. This variant has not been identified in the general population by the Genome Aggregation Database (gnomAD). The available evidence is insufficient to determine the role of this variant in disease conclusively. Therefore, this variant is classified as a Variant of Uncertain Significance.

This study involves interpretation of variants in research participants for the purpose of population health screening. Participant phenotype was not available at the time of variant classification. Additional details can be found in publication PMID: 35346344, PMCID: PMC8962531

Ambry Genetics
Classification: Uncertain significance for Hereditary cancer-predisposing syndrome. Last evaluated: 2018-09-30. Review status: criteria provided, single submitter. Criteria: Ambry Variant Classification Scheme 2023. Collection method: clinical testing. Allele origin: germline.
Comment: The p.M1300V variant (also known as c.3898A>G), located in coding exon 32 of the TSC2 gene, results from an A to G substitution at nucleotide position 3898. The methionine at codon 1300 is replaced by valine, an amino acid with highly similar properties. This amino acid position is poorly conserved in available vertebrate species. In addition, the in silico prediction for this alteration is inconclusive. Since supporting evidence is limited at this time, the clinical significance of this alteration remains unclear.